The following is an entry in ClinVar:

ClinVar aggregate classification (germline): Pathogenic (1 of 4 stars; one submission).

Submission:

GeneDx
Classification: Pathogenic. Last evaluated: 2014-12-22. Review status: criteria provided, single submitter. Criteria: GeneDx Variant Classification (06012015). Collection method: clinical testing. Allele origin: germline. Affected: yes.
Comment: c.1441delG: p.Ala481GlnfsX51 (A481QfsX51) in exon 15 of the TSC1 gene (NM_000368.4). The normal sequence with the base that is deleted in braces is: AGCT{G}CAAT. The c.1441delG mutation in the TSC1 gene causes a frameshift starting with codon Alanine 481, changes this amino acid to a Glutamine residue and creates a premature Stop codon at position 51 of the new reading frame, denoted p.Ala481GlnfsX51. This mutation is predicted to cause loss of normal protein function either through protein truncation or nonsense-mediated mRNA decay. Although this mutation has not been previously reported to our knowledge, other frameshift mutations have been reported in the TSC1 gene in association with tuberous sclerosis complex. Therefore, the presence of c.1441delG is consistent with a diagnosis of tuberous sclerosis complex. The variant is found in TUBSC-EPIV2-1 panel(s).

NM_000368.5(TSC1):c.1441del (p.Ala481fs)

Gene: TSC1 (TSC complex subunit 1; minus strand). Cytogenetic location: 9q34.13.
Variant type: Deletion.
Coding change: c.1441del on transcript NM_000368.5 (MANE Select); coding-DNA position 1441, one base deleted (G; older notation c.1441delG).
Protein change: p.Ala481fs; shifts the reading frame from alanine 481.
Molecular consequence: frameshift variant.
Genome position (GRCh38, 1-based): chr9:132,906,137, C deleted on the plus strand (G on the coding strand, the reverse complement: TSC1 is on the minus strand). VCF-style (leftmost placement, unchanged base first): chr9-132906136-GC-G. GRCh37 (hg19) VCF-style: chr9-135781523-GC-G.
Other names: c.1438del, p.Ala480fs (NM_001162426.2); c.1288del, p.Ala430fs (NM_001162427.2); c.1078del, p.Ala360fs (NM_001362177.2); c.1441delG (NM_000368.4); short protein forms A360fs, A430fs, A480fs, A481fs.
Identifiers: ClinVar variation 207647 (VCV000207647.1), dbSNP rs796053466, ClinGen allele CA319329.